The following is an entry in ClinVar:

ClinVar aggregate classification (germline): Uncertain significance (1 of 4 stars; one submission).

gnomAD v4.1: 3 of 1,604,870 alleles (0.00019%); highest among the groups gnomAD compares: Admixed American, 0.0033%; no homozygotes.

Submission:

Mayo Clinic Laboratories, Mayo Clinic
Classification: Uncertain significance. Last evaluated: 2024-02-23. Review status: criteria provided, single submitter. Criteria: ACMG Guidelines, 2015. Collection method: clinical testing. Allele origin: germline. Observed: 1 variant allele.
Comment: PM2

Literature cited by the submitters: PubMed 31064749; PubMed 32041611.

NM_022436.3(ABCG5):c.1871T>G (p.Phe624Cys)

Genes: ABCG5 (ATP binding cassette subfamily G member 5; minus strand), DYNC2LI1 (dynein cytoplasmic 2 light intermediate chain 1; plus strand). Cytogenetic location: 2p21.
Variant type: single nucleotide variant.
Coding change: c.1871T>G on transcript NM_022436.3 (MANE Select); coding-DNA position 1871, T replaced by G.
Protein change: p.Phe624Cys; replaces phenylalanine 624 with cysteine.
Molecular consequence: missense variant. On other transcripts: intron variant (2).
Genome position (GRCh38, 1-based): chr2:43,813,201, A>C on the plus strand (T>G on the coding strand, the complement: ABCG5 is on the minus strand). VCF-style: chr2-43813201-A-C. GRCh37 (hg19) VCF-style: chr2-44040340-A-C.
Other names: p.Phe624Cys; c.*15+2677A>C (NM_001348913.2, NM_001348912.2); short protein forms F624C.
Identifiers: ClinVar variation 3380800 (VCV003380800.1).
Genomic context (GRCh38, chr2:43,813,201, plus strand): 5'-ATTTTGAAAACAACTATTCCTAGGATGACAAGAGCTGGAATAAATGAATACAAAATCAGA[A>C]AGTTCATTGTGAATCTAGATGTTGCACCTGGGCAGGTTTTCTCAATGAATTGAATTCCTT-3'
Protein context (NP_071881.1, residues 614-634): PGATSRFTMN[Phe624Cys]LILYSFIPAL